The following is an entry in ClinVar:

NM_144973.4(DENND5B):c.1522A>G (p.Asn508Asp)

Gene: DENND5B (DENN domain containing 5B; minus strand). Cytogenetic location: 12p11.21.
Variant type: single nucleotide variant.
Coding change: c.1522A>G on transcript NM_144973.4 (MANE Select); coding-DNA position 1522, A replaced by G.
Protein change: p.Asn508Asp; replaces asparagine 508 with aspartic acid.
Molecular consequence: missense variant.
Genome position (GRCh38, 1-based): chr12:31,452,047, T>C on the plus strand (A>G on the coding strand, the complement: DENND5B is on the minus strand). VCF-style: chr12-31452047-T-C. GRCh37 (hg19) VCF-style: chr12-31604981-T-C.
Other names: c.1627A>G, p.Asn543Asp (NM_001308339.2); c.1588A>G, p.Asn530Asp (NM_001366890.1, NM_001366893.1); c.991A>G, p.Asn331Asp (NM_001366891.1); c.1522A>G, p.Asn508Asp (NM_001366892.1); short protein forms N530D, N331D, N508D, N543D.
Identifiers: ClinVar variation 4771324 (VCV004771324.1).

ClinVar aggregate classification (germline): Uncertain significance (1 of 4 stars; one submission).

gnomAD v4.1: 7 of 1,613,988 alleles (0.00043%); highest among the groups gnomAD compares: Non-Finnish European, 0.00059%; no homozygotes.

Submission:

Labcorp Genetics (formerly Invitae), Labcorp
Classification: Uncertain significance. Last evaluated: 2025-02-10. Review status: criteria provided, single submitter. Criteria: Invitae Variant Classification Sherloc (09022015). Collection method: clinical testing. Allele origin: germline.
Comment: This sequence change replaces asparagine, which is neutral and polar, with aspartic acid, which is acidic and polar, at codon 543 of the DENND5B protein (p.Asn543Asp). This variant is not present in population databases (gnomAD no frequency). This variant has not been reported in the literature in individuals affected with DENND5B-related conditions. An algorithm developed to predict the effect of missense changes on protein structure and function (PolyPhen-2) suggests that this variant is likely to be tolerated. In summary, the available evidence is currently insufficient to determine the role of this variant in disease. Therefore, it has been classified as a Variant of Uncertain Significance.